The following is an entry in ClinVar:

NM_002796.3(PSMB4):c.755C>G (p.Thr252Ser)

Gene: PSMB4 (proteasome 20S subunit beta 4; plus strand). Cytogenetic location: 1q21.3.
Variant type: single nucleotide variant.
Coding change: c.755C>G on transcript NM_002796.3 (MANE Select); coding-DNA position 755, C replaced by G.
Protein change: p.Thr252Ser; replaces threonine 252 with serine.
Molecular consequence: missense variant.
Genome position (GRCh38, 1-based): chr1:151,401,603, C>G. VCF-style: chr1-151401603-C-G. GRCh37 (hg19) VCF-style: chr1-151374079-C-G.
Other names: short protein forms T252S.
Identifiers: ClinVar variation 2794448 (VCV002794448.3), dbSNP rs1179124967, ClinGen allele CA341927963.

ClinVar aggregate classification (germline): Uncertain significance (1 of 4 stars; one submission).

Allele frequency attached by ClinVar (database versions not stated): gnomAD exomes below 0.00001; TOPMed below 0.00001.

Submission:

Labcorp Genetics (formerly Invitae), Labcorp
Classification: Uncertain significance. Last evaluated: 2023-08-14. Review status: criteria provided, single submitter. Criteria: Invitae Variant Classification Sherloc (09022015). Collection method: clinical testing. Allele origin: germline.
Comment: In summary, the available evidence is currently insufficient to determine the role of this variant in disease. Therefore, it has been classified as a Variant of Uncertain Significance. An algorithm developed to predict the effect of missense changes on protein structure and function (PolyPhen-2) suggests that this variant is likely to be tolerated. This variant has not been reported in the literature in individuals affected with PSMB4-related conditions. This variant is present in population databases (no rsID available, gnomAD 0.007%). This sequence change replaces threonine, which is neutral and polar, with serine, which is neutral and polar, at codon 252 of the PSMB4 protein (p.Thr252Ser).